The following is an entry in ClinVar:

ClinVar aggregate classification (germline): Likely benign. Review status: criteria provided, single submitter (1 of 4 stars). 2 submissions from 2 submitters: Likely benign (1). 1 of the submissions does not count toward it. Last evaluated 2025-10-10.

Conditions:
DMXL2-related disorder. Also called: DMXL2-related condition.

Allele frequency attached by ClinVar (database versions not stated): gnomAD exomes 0.00003; gnomAD 0.00001; ExAC 0.00005.
gnomAD v4.1: 51 of 1,613,854 alleles (0.0032%); highest among the groups gnomAD compares: South Asian, 0.032%; 1 homozygote.

Submissions (2):

Labcorp Genetics (formerly Invitae), Labcorp
Classification: Likely benign. Last evaluated: 2025-10-10. Review status: criteria provided, single submitter. Criteria: Invitae Variant Classification Sherloc (09022015). Collection method: clinical testing. Allele origin: germline.

PreventionGenetics, part of Exact Sciences
Classification: Likely benign for DMXL2-related condition. Last evaluated: 2024-04-22. Review status: no assertion criteria provided. Collection method: clinical testing. Allele origin: germline. Not counted in ClinVar's aggregate classification.
Comment: This variant is classified as likely benign based on ACMG/AMP sequence variant interpretation guidelines (Richards et al. 2015 PMID: 25741868, with internal and published modifications).

NM_001378457.1(DMXL2):c.8076+9T>A

Gene: DMXL2 (Dmx like 2; minus strand). Cytogenetic location: 15q21.2.
Variant type: single nucleotide variant.
Coding change: c.8076+9T>A on transcript NM_001378457.1 (MANE Select); 9 bases into the intron after coding-DNA position 8076, T replaced by A.
Molecular consequence: intron variant.
Genome position (GRCh38, 1-based): chr15:51,458,700, A>T on the plus strand (T>A on the coding strand, the complement: DMXL2 is on the minus strand). VCF-style: chr15-51458700-A-T. GRCh37 (hg19) VCF-style: chr15-51750897-A-T.
Other names: c.8013+9T>A (NM_001174116.1, NM_001174116.3); c.5991+9T>A (NM_001378460.1); c.6102+9T>A (NM_001174117.3); c.8010+9T>A (NM_015263.5); c.8073+9T>A (NM_001378458.1); c.7788+9T>A (NM_001378459.1).
Identifiers: ClinVar variation 1953340 (VCV001953340.6), dbSNP rs769865211, ClinGen allele CA7561161.